The following is an entry in ClinVar:

ClinVar aggregate classification (germline): Uncertain significance (1 of 4 stars; one submission).

Submission:

GeneDx
Classification: Uncertain significance. Last evaluated: 2024-11-12. Review status: criteria provided, single submitter. Criteria: GeneDx Variant Classification Process June 2021. Collection method: clinical testing. Allele origin: germline. Affected: yes.
Comment: Not observed at significant frequency in large population cohorts (gnomAD); In silico analysis supports that this missense variant has a deleterious effect on protein structure/function; This variant is associated with the following publications: (PMID: 31828977, 34056838)

NM_020297.4(ABCC9):c.3704C>T (p.Ser1235Phe)

Genes: KCNJ8-AS1 (KCNJ8 antisense RNA 1; plus strand), ABCC9 (ATP binding cassette subfamily C member 9; minus strand). Cytogenetic location: 12p12.1.
Variant type: single nucleotide variant.
Coding change: c.3704C>T on transcript NM_020297.4 (MANE Select); coding-DNA position 3704, C replaced by T.
Protein change: p.Ser1235Phe; replaces serine 1235 with phenylalanine.
Molecular consequence: missense variant.
Genome position (GRCh38, 1-based): chr12:21,818,217, G>A on the plus strand (C>T on the coding strand, the complement: ABCC9 is on the minus strand). VCF-style: chr12-21818217-G-A. GRCh37 (hg19) VCF-style: chr12-21971151-G-A.
Other names: c.3704C>T, p.Ser1235Phe (NM_001377273.1, NM_005691.4); c.2837C>T, p.Ser946Phe (NM_001377274.1); short protein forms S1235F, S946F.
Identifiers: ClinVar variation 3898844 (VCV003898844.1).
Genomic context (GRCh38, chr12:21,818,217, plus strand): 5'-GCATACAGAAGACCCAAGCCTACCAATCCAGAATTCGAAGACCCACTAATGGATGCTATA[G>A]ATGCAGTGAGGACAATGCAAGCTCCCAGATAATCCTTTGAAAAAGCAAGAGAAAATGTTA-3'
Protein context (NP_064693.2, residues 1225-1245): YLGACIVLTA[Ser1235Phe]IASISGSSNS